The following is an entry in ClinVar:

NM_000368.5(TSC1):c.3373T>A (p.Leu1125Met)

Gene: TSC1 (TSC complex subunit 1; minus strand). Cytogenetic location: 9q34.13.
Variant type: single nucleotide variant.
Coding change: c.3373T>A on transcript NM_000368.5 (MANE Select); coding-DNA position 3373, T replaced by A.
Protein change: p.Leu1125Met; replaces leucine 1125 with methionine.
Molecular consequence: missense variant. On other transcripts: non-coding transcript variant (5).
Genome position (GRCh38, 1-based): chr9:132,896,357, A>T on the plus strand (T>A on the coding strand, the complement: TSC1 is on the minus strand). VCF-style: chr9-132896357-A-T. GRCh37 (hg19) VCF-style: chr9-135771744-A-T.
Other names: c.3370T>A, p.Leu1124Met (NM_001162426.2, NM_001406597.1, NM_001406598.1 and 2 more transcripts); c.3220T>A, p.Leu1074Met (NM_001162427.2, NM_001406610.1); c.3010T>A, p.Leu1004Met (NM_001362177.2, NM_001406614.1, NM_001406615.1 and 4 more transcripts); c.3373T>A, p.Leu1125Met (NM_001406592.1, NM_001406593.1, NM_001406594.1 and 2 more transcripts); c.3358T>A, p.Leu1120Met (NM_001406601.1, NM_001406602.1); c.3355T>A, p.Leu1119Met (NM_001406603.1, NM_001406604.1); c.3331T>A, p.Leu1111Met (NM_001406605.1, NM_001406606.1, NM_001406607.1); c.3328T>A, p.Leu1110Met (NM_001406608.1, NM_001406609.1); and 8 more; short protein forms L1074M, L990M, L1059M, L1111M, L1124M, L989M, L1004M, L1073M.
Identifiers: ClinVar variation 2798878 (VCV002798878.3), dbSNP rs1157060310, ClinGen allele CA375366508.

ClinVar aggregate classification (germline): Uncertain significance (1 of 4 stars; one submission).

Conditions:
Tuberous sclerosis 1 (TSC1). Identifiers: Orphanet 805, MedGen C1854465, MONDO:0008612, OMIM 191100.

Submission:

Labcorp Genetics (formerly Invitae), Labcorp
Classification: Uncertain significance for Tuberous sclerosis 1. Last evaluated: 2024-07-09. Review status: criteria provided, single submitter. Criteria: Invitae Variant Classification Sherloc (09022015). Collection method: clinical testing. Allele origin: germline.
Comment: This sequence change replaces leucine, which is neutral and non-polar, with methionine, which is neutral and non-polar, at codon 1125 of the TSC1 protein (p.Leu1125Met). This variant is not present in population databases (gnomAD no frequency). This variant has not been reported in the literature in individuals affected with TSC1-related conditions. Advanced modeling of protein sequence and biophysical properties (such as structural, functional, and spatial information, amino acid conservation, physicochemical variation, residue mobility, and thermodynamic stability) performed at Invitae indicates that this missense variant is not expected to disrupt TSC1 protein function with a negative predictive value of 95%. In summary, the available evidence is currently insufficient to determine the role of this variant in disease. Therefore, it has been classified as a Variant of Uncertain Significance.